The following is an entry in ClinVar:

ClinVar aggregate classification (germline): Conflicting classifications of pathogenicity. Review status: criteria provided, conflicting classifications (1 of 4 stars). 5 submissions from 5 submitters: Uncertain significance (3); Likely benign (2). Last evaluated 2026-06-18.

Conditions:
Hereditary cancer-predisposing syndrome. Also called: Neoplastic Syndromes, Hereditary; Hereditary Cancer Syndrome; Tumor predisposition; Hereditary neoplastic syndrome. Identifiers: Orphanet 140162, MedGen C0027672, MeSH D009386, MONDO:0015356.
Tuberous sclerosis 1 (TSC1). Identifiers: Orphanet 805, MedGen C1854465, MONDO:0008612, OMIM 191100.
Lymphangiomyomatosis (LAM). Also called: Lymphangioleiomyomatosis; Lymphangioleiomyomatosis, somatic. Identifiers: Orphanet 538, MedGen C0751674, MONDO:0011705, OMIM 606690.
Isolated focal cortical dysplasia type II (FCORD2). Also called: Focal cortical dysplasia type II; CORTICAL DYSPLASIA OF TAYLOR. Identifiers: Orphanet 268994, MedGen C1846385, MONDO:0011818, OMIM 607341, HP:0032051.
Tuberous sclerosis syndrome (TSC). Also called: Tuberous sclerosis; Tuberous Sclerosis Complex. Identifiers: Orphanet 805, MedGen C0041341, MONDO:0001734.

Allele frequency attached by ClinVar (database versions not stated): gnomAD 0.00001; gnomAD exomes below 0.00001; TOPMed below 0.00001.
gnomAD v4.1: 3 of 1,613,912 alleles (0.00019%); highest among the groups gnomAD compares: Non-Finnish European, 0.00025%; no homozygotes.

Submissions (5):

Ambry Genetics
Classification: Likely benign for Hereditary cancer-predisposing syndrome. Last evaluated: 2026-06-18. Review status: criteria provided, single submitter. Criteria: Ambry Variant Classification Scheme 2023. Collection method: clinical testing. Allele origin: germline.

Labcorp Genetics (formerly Invitae), Labcorp
Classification: Likely benign for Tuberous sclerosis 1. Last evaluated: 2024-12-17. Review status: criteria provided, single submitter. Criteria: Invitae Variant Classification Sherloc (09022015). Collection method: clinical testing. Allele origin: germline.

All of Us Research Program, National Institutes of Health
Classification: Uncertain significance for Tuberous sclerosis syndrome. Last evaluated: 2023-05-04. Review status: criteria provided, single submitter. Criteria: ACMG Guidelines, 2015. Collection method: clinical testing. Allele origin: germline. Inheritance: Autosomal dominant inheritance. Observed: 1 variant allele, 1 heterozygote.
Comment: This missense variant replaces glutamine with arginine at codon 413 of the TSC1 protein. Computational prediction suggests that this variant may not impact protein structure and function (internally defined REVEL score threshold <= 0.5, PMID: 27666373). To our knowledge, functional studies have not been reported for this variant. This variant has not been reported in individuals affected with TSC1-related disorders in the literature. This variant has been identified in 1/31362 chromosomes in the general population by the Genome Aggregation Database (gnomAD). The available evidence is insufficient to determine the role of this variant in disease conclusively. Therefore, this variant is classified as a Variant of Uncertain Significance.

This study involves interpretation of variants in research participants for the purpose of population health screening. Participant phenotype was not available at the time of variant classification. Additional details can be found in publication PMID: 35346344, PMCID: PMC8962531

Fulgent Genetics
Classification: Uncertain significance for Tuberous sclerosis 1; Lymphangiomyomatosis; Isolated focal cortical dysplasia type II. Last evaluated: 2022-03-25. Review status: criteria provided, single submitter. Criteria: ACMG Guidelines, 2015. Collection method: clinical testing. Allele origin: unknown.

Genome-Nilou Lab
Classification: Uncertain significance for Tuberous sclerosis 1. Last evaluated: 2021-11-07. Review status: criteria provided, single submitter. Criteria: ACMG Guidelines, 2015. Collection method: clinical testing. Allele origin: germline. Affected: no.

NM_000368.5(TSC1):c.1238A>G (p.Gln413Arg)

Gene: TSC1 (TSC complex subunit 1; minus strand). Cytogenetic location: 9q34.13.
Variant type: single nucleotide variant.
Coding change: c.1238A>G on transcript NM_000368.5 (MANE Select); coding-DNA position 1238, A replaced by G.
Protein change: p.Gln413Arg; replaces glutamine 413 with arginine.
Molecular consequence: missense variant.
Genome position (GRCh38, 1-based): chr9:132,910,596, T>C on the plus strand (A>G on the coding strand, the complement: TSC1 is on the minus strand). VCF-style: chr9-132910596-T-C. GRCh37 (hg19) VCF-style: chr9-135785983-T-C.
Other names: c.1235A>G, p.Gln412Arg (NM_001162426.2); c.1085A>G, p.Gln362Arg (NM_001162427.2); c.875A>G, p.Gln292Arg (NM_001362177.2); short protein forms Q413R, Q362R, Q292R, Q412R.
Identifiers: ClinVar variation 411267 (VCV000411267.21), dbSNP rs1060503218, ClinGen allele CA16612643.